The following is an entry in ClinVar:

ClinVar aggregate classification (germline): Likely benign. Review status: criteria provided, single submitter (1 of 4 stars). 3 submissions from 3 submitters: Likely benign (1). 2 of the submissions do not count toward it. Last evaluated 2024-12-25.

Conditions:
SLC26A4-related disorder. Also called: SLC26A4-related condition; SLC26A4-related disorders.
Pendred syndrome (PDS). Also called: GOITER-DEAFNESS SYNDROME; HYPOTHYROIDISM, CONGENITAL, DUE TO DYSHORMONOGENESIS, 2B; DEAFNESS WITH GOITER; Pendred's syndrome; Pendred Syndrome (PDS); THYROID DYSHORMONOGENESIS 2B. Identifiers: Orphanet 705, MedGen C0271829, MONDO:0010134, OMIM 274600.

Allele frequency attached by ClinVar (database versions not stated): gnomAD 0.00001 and 0.00004; gnomAD exomes 0.00008 and 0.00027; ExAC 0.00076.
gnomAD v4.1: 123 of 1,540,978 alleles (0.008%); highest among the groups gnomAD compares: South Asian, 0.13%; no homozygotes.

Submissions (3):

Labcorp Genetics (formerly Invitae), Labcorp
Classification: Likely benign. Last evaluated: 2024-12-25. Review status: criteria provided, single submitter. Criteria: Invitae Variant Classification Sherloc (09022015). Collection method: clinical testing. Allele origin: germline.

Natera, Inc.
Classification: Likely benign for Pendred syndrome. Last evaluated: 2021-05-11. Review status: no assertion criteria provided. Collection method: clinical testing. Allele origin: germline. Not counted in ClinVar's aggregate classification.

PreventionGenetics, part of Exact Sciences
Classification: Likely benign for SLC26A4-related condition. Last evaluated: 2019-02-19. Review status: no assertion criteria provided. Collection method: clinical testing. Allele origin: germline. Not counted in ClinVar's aggregate classification.
Comment: This variant is classified as likely benign based on ACMG/AMP sequence variant interpretation guidelines (Richards et al. 2015 PMID: 25741868, with internal and published modifications).

NM_000441.2(SLC26A4):c.135G>T (p.Thr45=)

Genes: SLC26A4 (solute carrier family 26 member 4; plus strand), SLC26A4-AS1 (SLC26A4 antisense RNA 1; minus strand). Cytogenetic location: 7q22.3.
Variant type: single nucleotide variant.
Coding change: c.135G>T on transcript NM_000441.2 (MANE Select); coding-DNA position 135, G replaced by T.
Protein change: p.Thr45=; no amino-acid change (threonine 45 retained).
Molecular consequence: synonymous variant. On other transcripts: non-coding transcript variant (1).
Genome position (GRCh38, 1-based): chr7:107,661,776, G>T. VCF-style: chr7-107661776-G-T. GRCh37 (hg19) VCF-style: chr7-107302221-G-T.
Identifiers: ClinVar variation 794745 (VCV000794745.13), dbSNP rs756029600, ClinGen allele CA4432370.